The following is an entry in ClinVar:

ClinVar aggregate classification (germline): Uncertain significance (1 of 4 stars; one submission).

Conditions:
Early Myoclonic Encephalopathy. Identifiers: MedGen C0270855.

Submission:

Labcorp Genetics (formerly Invitae), Labcorp
Classification: Uncertain significance for Early Myoclonic Encephalopathy. Last evaluated: 2025-03-11. Review status: criteria provided, single submitter. Criteria: Invitae Variant Classification Sherloc (09022015). Collection method: clinical testing. Allele origin: germline.
Comment: This sequence change replaces leucine, which is neutral and non-polar, with histidine, which is basic and polar, at codon 2499 of the JMJD1C protein (p.Leu2499His). This variant is not present in population databases (gnomAD no frequency). This variant has not been reported in the literature in individuals affected with JMJD1C-related conditions. Invitae Evidence Modeling of protein sequence and biophysical properties (such as structural, functional, and spatial information, amino acid conservation, physicochemical variation, residue mobility, and thermodynamic stability) indicates that this missense variant is not expected to disrupt JMJD1C protein function with a negative predictive value of 80%. In summary, the available evidence is currently insufficient to determine the role of this variant in disease. Therefore, it has been classified as a Variant of Uncertain Significance.

NM_032776.3(JMJD1C):c.7496T>A (p.Leu2499His)

Gene: JMJD1C (jumonji domain containing 1C; minus strand). Cytogenetic location: 10q21.3.
Variant type: single nucleotide variant.
Coding change: c.7496T>A on transcript NM_032776.3 (MANE Select); coding-DNA position 7496, T replaced by A.
Protein change: p.Leu2499His; replaces leucine 2499 with histidine.
Molecular consequence: missense variant. On other transcripts: non-coding transcript variant (1).
Genome position (GRCh38, 1-based): chr10:63,168,472, A>T on the plus strand (T>A on the coding strand, the complement: JMJD1C is on the minus strand). VCF-style: chr10-63168472-A-T. GRCh37 (hg19) VCF-style: chr10-64928232-A-T.
Other names: c.6950T>A, p.Leu2317His (NM_001282948.2, NM_001318154.2); c.6632T>A, p.Leu2211His (NM_001318153.2); c.7382T>A, p.Leu2461His (NM_001322252.2); c.6839T>A, p.Leu2280His (NM_001322254.2, NM_001322258.2); short protein forms L2211H, L2280H, L2317H, L2461H, L2499H.
Identifiers: ClinVar variation 4798305 (VCV004798305.1).